The following is an entry in ClinVar:

ClinVar aggregate classification (germline): Uncertain significance (1 of 4 stars; one submission).

Conditions:
Dyskeratosis congenita, autosomal recessive 5 (DKCB5). Identifiers: MedGen C3554656, MONDO:0014076, OMIM 615190.
Pulmonary fibrosis and/or bone marrow failure, Telomere-related, 3. Also called: PULMONARY FIBROSIS AND/OR BONE MARROW FAILURE SYNDROME, TELOMERE-RELATED, 3. Identifiers: Orphanet 2032, MedGen C4225346, MONDO:0014613, OMIM 616373.

Allele frequency attached by ClinVar (database versions not stated): TOPMed below 0.00001.
gnomAD v4.1: 4 of 1,612,678 alleles (0.00025%); highest among the groups gnomAD compares: Non-Finnish European, 0.00034%; no homozygotes.

Submission:

Labcorp Genetics (formerly Invitae), Labcorp
Classification: Uncertain significance for Dyskeratosis congenita, autosomal recessive 5; Pulmonary fibrosis and/or bone marrow failure, Telomere-related, 3. Last evaluated: 2025-05-21. Review status: criteria provided, single submitter. Criteria: Invitae Variant Classification Sherloc (09022015). Collection method: clinical testing. Allele origin: germline.
Comment: This sequence change replaces alanine, which is neutral and non-polar, with valine, which is neutral and non-polar, at codon 528 of the RTEL1 protein (p.Ala528Val). This variant is present in population databases (rs760398738, gnomAD 0.002%). This variant has not been reported in the literature in individuals affected with RTEL1-related conditions. ClinVar contains an entry for this variant (Variation ID: 1461593). An algorithm developed to predict the effect of missense changes on protein structure and function (PolyPhen-2) suggests that this variant is likely to be disruptive. In summary, the available evidence is currently insufficient to determine the role of this variant in disease. Therefore, it has been classified as a Variant of Uncertain Significance.

NM_001283009.2(RTEL1):c.1583C>T (p.Ala528Val)

Genes: RTEL1 (regulator of telomere elongation helicase 1; plus strand), RTEL1-TNFRSF6B (RTEL1-TNFRSF6B readthrough (NMD candidate); plus strand). Cytogenetic location: 20q13.33.
Variant type: single nucleotide variant.
Coding change: c.1583C>T on transcript NM_001283009.2 (MANE Select); coding-DNA position 1583, C replaced by T.
Protein change: p.Ala528Val; replaces alanine 528 with valine.
Molecular consequence: missense variant. On other transcripts: non-coding transcript variant (1).
Genome position (GRCh38, 1-based): chr20:63,688,038, C>T. VCF-style: chr20-63688038-C-T. GRCh37 (hg19) VCF-style: chr20-62319391-C-T.
Other names: c.914C>T, p.Ala305Val (NM_001283010.1); c.1583C>T, p.Ala528Val (NM_016434.4); c.1655C>T, p.Ala552Val (NM_032957.5); short protein forms A528V, A552V, A305V.
Identifiers: ClinVar variation 1461593 (VCV001461593.7), dbSNP rs760398738, ClinGen allele CA9964846.